The following is an entry in ClinVar:

ClinVar aggregate classification (germline): Benign/Likely benign. Review status: criteria provided, multiple submitters, no conflicts (2 of 4 stars). 11 submissions from 11 submitters: Benign (2); Likely benign (8). 1 of the submissions does not count toward it. Last evaluated 2026-02-03.

Conditions:
Hereditary cancer-predisposing syndrome. Also called: Tumor predisposition; Hereditary neoplastic syndrome; Neoplastic Syndromes, Hereditary; Hereditary Cancer Syndrome. Identifiers: Orphanet 140162, MedGen C0027672, MeSH D009386, MONDO:0015356.
Familial cancer of breast. Also called: hereditary breast carcinoma; Hereditary breast cancer; BREAST CANCER, FAMILIAL. Identifiers: Orphanet 227535, MedGen C0346153, MONDO:0016419, OMIM 114480. Disease mechanism: loss of function.
Pancreatic cancer, susceptibility to, 3. Identifiers: Orphanet 1333, MedGen C3150547, MONDO:0013236, OMIM 613348.
Fanconi anemia complementation group N. Also called: PALB2-Related Fanconi Anemia. Identifiers: Orphanet 84, MedGen C1835817, MONDO:0012565, OMIM 610832. Disease mechanism: loss of function.

Allele frequency attached by ClinVar (database versions not stated): ExAC 0.00002; gnomAD 0.00004; TOPMed 0.00006; ESP Exome Variant Server 0.00008.
gnomAD v4.1: 53 of 1,613,934 alleles (0.0033%); highest among the groups gnomAD compares: Non-Finnish European, 0.0042%; no homozygotes.

Submissions (11):

Labcorp Genetics (formerly Invitae), Labcorp
Classification: Likely benign for Familial cancer of breast. Last evaluated: 2026-02-03. Review status: criteria provided, single submitter. Criteria: Invitae Variant Classification Sherloc (09022015). Collection method: clinical testing. Allele origin: germline.

Myriad Genetics, Inc.
Classification: Benign for Familial cancer of breast. Last evaluated: 2025-01-21. Review status: criteria provided, single submitter. Criteria: Myriad Autosomal Dominant, Autosomal Recessive and X-Linked Classification Criteria (2023). Collection method: clinical testing. Allele origin: unknown.
Comment: This variant is considered benign. This variant is a silent/synonymous amino acid change and it is not expected to impact splicing.

Blueprint Genetics
Classification: Likely benign. Last evaluated: 2024-07-09. Review status: criteria provided, single submitter. Criteria: ACMG Guidelines, 2015. Collection method: clinical testing. Allele origin: germline.

Quest Diagnostics Nichols Institute San Juan Capistrano
Classification: Likely benign. Last evaluated: 2022-12-03. Review status: criteria provided, single submitter. Criteria: Quest Diagnostics criteria. Collection method: clinical testing. Allele origin: unknown.

Fulgent Genetics
Classification: Likely benign for Familial cancer of breast; Fanconi anemia complementation group N; Pancreatic cancer, susceptibility to, 3. Last evaluated: 2022-04-21. Review status: criteria provided, single submitter. Criteria: ACMG Guidelines, 2015. Collection method: clinical testing. Allele origin: unknown.

Sema4
Classification: Likely benign for Hereditary cancer-predisposing syndrome. Last evaluated: 2021-03-28. Review status: criteria provided, single submitter. Criteria: Sema4 Curation Guidelines. Collection method: curation. Allele origin: germline.

Women's Health and Genetics/Laboratory Corporation of America, LabCorp
Classification: Likely benign. Last evaluated: 2019-08-29. Review status: criteria provided, single submitter. Criteria: LabCorp Variant Classification Summary - May 2015. Collection method: clinical testing. Allele origin: germline.

Color Diagnostics, LLC DBA Color Health
Classification: Likely benign for Hereditary cancer-predisposing syndrome. Last evaluated: 2016-07-11. Review status: criteria provided, single submitter. Criteria: ACMG Guidelines, 2015. Collection method: clinical testing. Allele origin: germline.

GeneDx
Classification: Benign. Last evaluated: 2015-03-03. Review status: criteria provided, single submitter. Criteria: GeneDx Variant Classification Process June 2021. Collection method: clinical testing. Allele origin: germline. Affected: yes.

Ambry Genetics
Classification: Likely benign for Hereditary cancer-predisposing syndrome. Last evaluated: 2014-11-04. Review status: criteria provided, single submitter. Criteria: Ambry Variant Classification Scheme 2023. Collection method: clinical testing. Allele origin: germline.

Leiden Open Variation Database
Classification: Likely benign for Familial cancer of breast. Last evaluated: 2019-05-13. Review status: no assertion criteria provided. Collection method: curation. Allele origin: germline. Affected: yes. Not counted in ClinVar's aggregate classification.
Comment: Curators: Marc Tischkowitz, Arleen D. Auerbach. Submitter to LOVD: Marc Tischkowitz.

Literature cited by the submitters: PubMed 29052111 (cited by Quest Diagnostics Nichols Institute San Juan Capistrano and Sema4); PubMed 21932393 (cited by 4 submitters).

NM_024675.4(PALB2):c.3252G>A (p.Ser1084=)

Gene: PALB2 (partner and localizer of BRCA2; minus strand). Cytogenetic location: 16p12.2.
Variant type: single nucleotide variant.
Coding change: c.3252G>A on transcript NM_024675.4 (MANE Select); coding-DNA position 3252, G replaced by A.
Protein change: p.Ser1084=; no amino-acid change (serine 1084 retained).
Molecular consequence: synonymous variant.
Genome position (GRCh38, 1-based): chr16:23,607,962, C>T on the plus strand (G>A on the coding strand, the complement: PALB2 is on the minus strand). VCF-style: chr16-23607962-C-T. GRCh37 (hg19) VCF-style: chr16-23619283-C-T.
Identifiers: ClinVar variation 126728 (VCV000126728.29), dbSNP rs141570833, ClinGen allele CA186435.